The following is an entry in ClinVar:

NM_000492.4(CFTR):c.3124C>T (p.Gln1042Ter)

Genes: CFTR (CF transmembrane conductance regulator; plus strand), CFTR-AS2 (CFTR antisense RNA 2; minus strand), LOC111674472 (DNase I hypersensitive sites in introns 16 and 17a of CFTR; plus strand). Cytogenetic location: 7q31.2.
Variant type: single nucleotide variant.
Coding change: c.3124C>T on transcript NM_000492.4 (MANE Select); coding-DNA position 3124, C replaced by T.
Protein change: p.Gln1042Ter; replaces glutamine 1042 with a stop codon.
Molecular consequence: nonsense.
Genome position (GRCh38, 1-based): chr7:117,610,654, C>T. VCF-style: chr7-117610654-C-T. GRCh37 (hg19) VCF-style: chr7-117250708-C-T.
Other names: short protein forms Q1042*.
Identifiers: ClinVar variation 53654 (VCV000053654.8), dbSNP rs397508500, ClinGen allele CA327049.
Genomic context (GRCh38, chr7:117,610,654, plus strand): 5'-GTGATAGTGGCTTTTATTATGTTGAGAGCATATTTCCTCCAAACCTCACAGCAACTCAAA[C>T]AACTGGAATCTGAAGGTATGACAGTGAATGTGCGATACTCATCTTGTAAAAAAGCTATAA-3'

ClinVar aggregate classification (germline): Pathogenic. Review status: reviewed by expert panel (3 of 4 stars). 6 submissions from 6 submitters: Pathogenic (1). 5 of the submissions do not count toward it. Last evaluated 2017-03-17.

Conditions:
CFTR-related disorder (CFTR-RD). Also called: CFTR-related condition; CFTR-related disorders. Identifiers: MedGen C5924204, MONDO:7770004.
Cystic fibrosis (CF). Also called: MUCOVISCIDOSIS. Identifiers: Orphanet 586, MedGen C0010674, MONDO:0009061, OMIM 219700. Disease mechanism: loss of function.

Allele frequency attached by ClinVar (database versions not stated): gnomAD exomes 0.00001 and below 0.00001; ExAC 0.00001; gnomAD 0.00001; TOPMed 0.00001.
gnomAD v4.1: 2 of 1,613,274 alleles (0.00012%); highest among the groups gnomAD compares: African/African-American, 0.0013%; no homozygotes.

Submissions (6):

CFTR2
Classification: Pathogenic for Cystic fibrosis. Last evaluated: 2017-03-17. Review status: reviewed by expert panel. Criteria: Sosnay PR et al. (Nat Genet 2013). Collection method: research. Allele origin: germline. Affected: yes. Study: CFTR2.

Natera, Inc.
Classification: Pathogenic for CFTR-related disorders. Last evaluated: 2024-05-14. Review status: criteria provided, single submitter. Criteria: Natera Variant Classification Schema (03/2026). Collection method: clinical testing. Allele origin: germline. Not counted in ClinVar's aggregate classification.
Comment: The c.3124C>T variant in CFTR is a nonsense variant predicted to introduce a stop codon at amino acid 1042. This variant is expected to result in nonsense mediated decay, truncation, or a dysfunctional protein product. This variant is rare in the general population with a frequency below the threshold expected for the associated phenotype(s). This variant has been observed in one or more individuals affected with the associated recessive disease, as either homozygous or compound heterozygous with a second variant (PMID: 19833837, 12183675). Given the available evidence, this variant is classified as Pathogenic.

Labcorp Genetics (formerly Invitae), Labcorp
Classification: Pathogenic for Cystic fibrosis. Last evaluated: 2023-12-25. Review status: criteria provided, single submitter. Criteria: Invitae Variant Classification Sherloc (09022015). Collection method: clinical testing. Allele origin: germline. Not counted in ClinVar's aggregate classification.
Comment: This sequence change creates a premature translational stop signal (p.Gln1042*) in the CFTR gene. It is expected to result in an absent or disrupted protein product. Loss-of-function variants in CFTR are known to be pathogenic (PMID: 1695717, 7691345, 9725922). This variant is present in population databases (rs397508500, gnomAD 0.007%). This premature translational stop signal has been observed in individual(s) with cystic fibrosis (PMID: 19833837). ClinVar contains an entry for this variant (Variation ID: 53654). For these reasons, this variant has been classified as Pathogenic.

Women's Health and Genetics/Laboratory Corporation of America, LabCorp
Classification: Pathogenic for Cystic fibrosis. Last evaluated: 2020-07-20. Review status: criteria provided, single submitter. Criteria: LabCorp Variant Classification Summary - May 2015. Collection method: clinical testing. Allele origin: germline. Not counted in ClinVar's aggregate classification.
Comment: Variant summary: CFTR c.3124C>T (p.Gln1042X) results in a premature termination codon, predicted to cause a truncation of the encoded protein or absence of the protein due to nonsense mediated decay, which are commonly known mechanisms for disease. Truncations downstream of this position have been classified as pathogenic by our laboratory. The variant allele was found at a frequency of 8e-06 in 250866 control chromosomes. c.3124C>T has been reported in the literature in individuals affected with Cystic Fibrosis (e.g. Escotte_2002, Audrezet_2008, Oca_2009, Dorfman_2010, Middleton_2019). These data indicate that the variant is likely to be associated with disease. To our knowledge, no experimental evidence demonstrating an impact on protein function has been reported. Two expert panels have submitted clinical-significance assessments for this variant to ClinVar after 2014 without evidence for independent evaluation. Both cited the variant as pathogenic. Based on the evidence outlined above, the variant was classified as pathogenic.

CFTR-France
Classification: Pathogenic for cystic fibrosis. Last evaluated: 2018-01-29. Review status: criteria provided, single submitter. Criteria: Claustres M et al. (Hum Mutat 2017). Collection method: curation. Allele origin: germline. Affected: yes. Not counted in ClinVar's aggregate classification.

ClinVar Staff, National Center for Biotechnology Information (NCBI)
No classification provided. Condition: CFTR-related disorders. Review status: no classification provided. Collection method: literature only. Allele origin: germline. Affected: yes. Not counted in ClinVar's aggregate classification.

Literature cited by the submitters: PubMed 19833837 (cited by 3 submitters); PubMed 12183675 (cited by Natera, Inc. and Women's Health and Genetics/Laboratory Corporation of America, LabCorp); PubMed 1695717 (cited by Labcorp Genetics (formerly Invitae), Labcorp); PubMed 7691345 (cited by Labcorp Genetics (formerly Invitae), Labcorp); PubMed 9725922 (cited by Labcorp Genetics (formerly Invitae), Labcorp); PubMed 18687795 (cited by Women's Health and Genetics/Laboratory Corporation of America, LabCorp); PubMed 20059485 (cited by Women's Health and Genetics/Laboratory Corporation of America, LabCorp and ClinVar Staff, National Center for Biotechnology Information (NCBI)); PubMed 25735457 (cited by Women's Health and Genetics/Laboratory Corporation of America, LabCorp); PubMed 31697873 (cited by Women's Health and Genetics/Laboratory Corporation of America, LabCorp).